The following is an entry in ClinVar:

ClinVar aggregate classification (germline): Likely benign. Review status: criteria provided, multiple submitters, no conflicts (2 of 4 stars). 2 submissions from 2 submitters: Likely benign (2). Last evaluated 2018-06-19.

Allele frequency attached by ClinVar (database versions not stated): 1000 Genomes Project 30x 0.00172; 1000 Genomes Project 0.00180; TOPMed 0.00416; gnomAD 0.00517 and 0.00556.
gnomAD v4.1: 827 of 152,304 alleles (0.54%); highest among the groups gnomAD compares: Non-Finnish European, 0.77%; 6 homozygotes.

Submissions (2):

GeneDx
Classification: Likely benign. Last evaluated: 2018-06-19. Review status: criteria provided, single submitter. Criteria: GeneDx Variant Classification (06012015). Collection method: clinical testing. Allele origin: germline. Affected: yes.
Comment: This variant is considered likely benign or benign based on one or more of the following criteria: it is a conservative change, it occurs at a poorly conserved position in the protein, it is predicted to be benign by multiple in silico algorithms, and/or has population frequency not consistent with disease.

Breakthrough Genomics
Classification: Likely benign. Review status: criteria provided, single submitter. Criteria: ACMG Guidelines, 2015. Collection method: not provided. Allele origin: germline. Inheritance: Autosomal recessive inheritance. Affected: yes.

NM_032634.4(PIGO):c.512-186G>A

Gene: PIGO (phosphatidylinositol glycan anchor biosynthesis class O; minus strand). Cytogenetic location: 9p13.3.
Variant type: single nucleotide variant.
Coding change: c.512-186G>A on transcript NM_032634.4 (MANE Select); 186 bases into the intron before coding-DNA position 512, G replaced by A.
Molecular consequence: intron variant.
Genome position (GRCh38, 1-based): chr9:35,094,545, C>T on the plus strand (G>A on the coding strand, the complement: PIGO is on the minus strand). VCF-style: chr9-35094545-C-T. GRCh37 (hg19) VCF-style: chr9-35094542-C-T.
Other names: c.512-186G>A (NM_152850.4, NM_001201484.2).
Identifiers: ClinVar variation 677588 (VCV000677588.2), dbSNP rs190300742, ClinGen allele CA15618316.